The following is an entry in ClinVar:

NM_006231.4(POLE):c.456C>T (p.Tyr152=)

Gene: POLE (DNA polymerase epsilon, catalytic subunit; minus strand). Cytogenetic location: 12q24.33.
Variant type: single nucleotide variant.
Coding change: c.456C>T on transcript NM_006231.4 (MANE Select); coding-DNA position 456, C replaced by T.
Protein change: p.Tyr152=; no amino-acid change (tyrosine 152 retained).
Molecular consequence: synonymous variant.
Genome position (GRCh38, 1-based): chr12:132,679,619, G>A on the plus strand (C>T on the coding strand, the complement: POLE is on the minus strand). VCF-style: chr12-132679619-G-A. GRCh37 (hg19) VCF-style: chr12-133256205-G-A.
Identifiers: ClinVar variation 682224 (VCV000682224.12), dbSNP rs560617100, ClinGen allele CA6894312.

ClinVar aggregate classification (germline): Likely benign. Review status: criteria provided, multiple submitters, no conflicts (2 of 4 stars). 3 submissions from 3 submitters: Likely benign (3). Last evaluated 2024-07-29.

Conditions:
Hereditary cancer-predisposing syndrome. Also called: Neoplastic Syndromes, Hereditary; Tumor predisposition; Hereditary neoplastic syndrome; Hereditary Cancer Syndrome. Identifiers: Orphanet 140162, MedGen C0027672, MeSH D009386, MONDO:0015356.

Allele frequency attached by ClinVar (database versions not stated): gnomAD below 0.00001 and 0.00001; gnomAD exomes 0.00001 and 0.00002; ExAC 0.00002; 1000 Genomes Project 30x 0.00016; 1000 Genomes Project 0.00020.
gnomAD v4.1: 11 of 1,612,862 alleles (0.00068%); highest among the groups gnomAD compares: South Asian, 0.011%; no homozygotes.

Submissions (3):

Labcorp Genetics (formerly Invitae), Labcorp
Classification: Likely benign. Last evaluated: 2024-07-29. Review status: criteria provided, single submitter. Criteria: Invitae Variant Classification Sherloc (09022015). Collection method: clinical testing. Allele origin: germline.

GeneDx
Classification: Likely benign. Last evaluated: 2018-04-16. Review status: criteria provided, single submitter. Criteria: GeneDx Variant Classification (06012015). Collection method: clinical testing. Allele origin: germline. Affected: yes.
Comment: This variant is considered likely benign or benign based on one or more of the following criteria: it is a conservative change, it occurs at a poorly conserved position in the protein, it is predicted to be benign by multiple in silico algorithms, and/or has population frequency not consistent with disease.

Ambry Genetics
Classification: Likely benign for Hereditary cancer-predisposing syndrome. Last evaluated: 2017-12-14. Review status: criteria provided, single submitter. Criteria: Ambry Variant Classification Scheme 2023. Collection method: clinical testing. Allele origin: germline.